The following is an entry in ClinVar:

ClinVar aggregate classification (germline): Uncertain significance (1 of 4 stars; one submission).

Allele frequency attached by ClinVar (database versions not stated): TOPMed below 0.00001.

Submission:

Labcorp Genetics (formerly Invitae), Labcorp
Classification: Uncertain significance. Last evaluated: 2022-08-19. Review status: criteria provided, single submitter. Criteria: Invitae Variant Classification Sherloc (09022015). Collection method: clinical testing. Allele origin: germline.
Comment: This sequence change replaces glycine, which is neutral and non-polar, with valine, which is neutral and non-polar, at codon 216 of the ZNF341 protein (p.Gly216Val). In summary, the available evidence is currently insufficient to determine the role of this variant in disease. Therefore, it has been classified as a Variant of Uncertain Significance. Algorithms developed to predict the effect of missense changes on protein structure and function (SIFT, PolyPhen-2, Align-GVGD) all suggest that this variant is likely to be tolerated. This variant has not been reported in the literature in individuals affected with ZNF341-related conditions. This variant is not present in population databases (gnomAD no frequency).

NM_001282933.2(ZNF341):c.647G>T (p.Gly216Val)

Gene: ZNF341 (zinc finger protein 341; plus strand). Cytogenetic location: 20q11.22.
Variant type: single nucleotide variant.
Coding change: c.647G>T on transcript NM_001282933.2 (MANE Select); coding-DNA position 647, G replaced by T.
Protein change: p.Gly216Val; replaces glycine 216 with valine.
Molecular consequence: missense variant. On other transcripts: non-coding transcript variant (1).
Genome position (GRCh38, 1-based): chr20:33,753,329, G>T. VCF-style: chr20-33753329-G-T. GRCh37 (hg19) VCF-style: chr20-32341135-G-T.
Other names: c.377G>T, p.Gly126Val (NM_001282935.2); c.647G>T, p.Gly216Val (NM_032819.5); short protein forms G126V, G216V.
Identifiers: ClinVar variation 1956945 (VCV001956945.5), dbSNP rs2019101780, ClinGen allele CA408649903.